The following is an entry in ClinVar:

ClinVar aggregate classification (germline): Uncertain significance (1 of 4 stars; one submission).

gnomAD v4.1: 13 of 1,613,974 alleles (0.00081%); highest among the groups gnomAD compares: Admixed American, 0.0083%; no homozygotes.

Submission:

GeneDx
Classification: Uncertain significance. Last evaluated: 2024-05-03. Review status: criteria provided, single submitter. Criteria: GeneDx Variant Classification Process June 2021. Collection method: clinical testing. Allele origin: germline. Affected: yes.
Comment: Nonsense variant predicted to result in protein truncation or nonsense mediated decay in a gene or region of a gene for which loss of function is not a well-established mechanism of disease; Has not been previously published as pathogenic or benign to our knowledge

NM_005061.3(RPL3L):c.439C>T (p.Gln147Ter)

Gene: RPL3L (ribosomal protein L3 like; minus strand). Cytogenetic location: 16p13.3.
Variant type: single nucleotide variant.
Coding change: c.439C>T on transcript NM_005061.3 (MANE Select); coding-DNA position 439, C replaced by T.
Protein change: p.Gln147Ter; replaces glutamine 147 with a stop codon.
Molecular consequence: nonsense.
Genome position (GRCh38, 1-based): chr16:1,950,906, G>A on the plus strand (C>T on the coding strand, the complement: RPL3L is on the minus strand). VCF-style: chr16-1950906-G-A. GRCh37 (hg19) VCF-style: chr16-2000907-G-A.
Other names: short protein forms Q147*.
Identifiers: ClinVar variation 3373272 (VCV003373272.1).